The following is an entry in ClinVar:

NM_014264.5(PLK4):c.2037A>G (p.Pro679=)

Gene: PLK4 (polo like kinase 4; plus strand). Cytogenetic location: 4q28.1.
Variant type: single nucleotide variant.
Coding change: c.2037A>G on transcript NM_014264.5 (MANE Select); coding-DNA position 2037, A replaced by G.
Protein change: p.Pro679=; no amino-acid change (proline 679 retained).
Molecular consequence: synonymous variant.
Genome position (GRCh38, 1-based): chr4:127,891,680, A>G. VCF-style: chr4-127891680-A-G. GRCh37 (hg19) VCF-style: chr4-128812835-A-G.
Other names: c.1941A>G, p.Pro647= (NM_001190799.2); c.1914A>G, p.Pro638= (NM_001190801.2).
Identifiers: ClinVar variation 1449123 (VCV001449123.5), dbSNP rs775938135, ClinGen allele CA441206685.
Genomic context (GRCh38, chr4:127,891,680, plus strand): 5'-TGCTGATAGACCACCCTCACCTACTGACAACATCAGTAGGTACAGCTTTGACAATTTACC[A>G]GGTATGTGAATTTACCAGGGAATAAATTTTGATAGTAGATTTATATGTATATACGTATAA-3'
Protein context (NP_055079.3, residues 669-689): NISRYSFDNL[Pro679=]EKYWRKYQYA

ClinVar aggregate classification (germline): Uncertain significance (1 of 4 stars; one submission).

gnomAD v4.1: 3 of 1,341,366 alleles (0.00022%); highest among the groups gnomAD compares: African/African-American, 0.0015%; no homozygotes.

Submission:

Labcorp Genetics (formerly Invitae), Labcorp
Classification: Uncertain significance. Last evaluated: 2021-10-10. Review status: criteria provided, single submitter. Criteria: Invitae Variant Classification Sherloc (09022015). Collection method: clinical testing. Allele origin: germline.
Comment: This sequence change affects codon 679 of the PLK4 mRNA. It is a 'silent' change, meaning that it does not change the encoded amino acid sequence of the PLK4 protein. It affects a nucleotide within the consensus splice site. This variant is not present in population databases (ExAC no frequency). This variant has not been reported in the literature in individuals affected with PLK4-related conditions. Algorithms developed to predict the effect of sequence changes on RNA splicing suggest that this variant is not likely to affect RNA splicing. In summary, the available evidence is currently insufficient to determine the role of this variant in disease. Therefore, it has been classified as a Variant of Uncertain Significance.